The following is an entry in ClinVar:

ClinVar aggregate classification (germline): Uncertain significance (1 of 4 stars; one submission).

Allele frequency attached by ClinVar (database versions not stated): gnomAD 0.00002; ESP Exome Variant Server 0.00008; ExAC 0.00001; gnomAD exomes 0.00001; TOPMed 0.00001.
gnomAD v4.1: 12 of 1,613,968 alleles (0.00074%); highest among the groups gnomAD compares: African/African-American, 0.0093%; no homozygotes.

Submission:

Labcorp Genetics (formerly Invitae), Labcorp
Classification: Uncertain significance. Last evaluated: 2024-10-22. Review status: criteria provided, single submitter. Criteria: Invitae Variant Classification Sherloc (09022015). Collection method: clinical testing. Allele origin: germline.
Comment: This sequence change replaces alanine, which is neutral and non-polar, with threonine, which is neutral and polar, at codon 187 of the PCARE protein (p.Ala187Thr). This variant is present in population databases (rs376525230, gnomAD 0.01%). This variant has not been reported in the literature in individuals affected with PCARE-related conditions. ClinVar contains an entry for this variant (Variation ID: 1375118). An algorithm developed to predict the effect of missense changes on protein structure and function outputs the following: PolyPhen-2: "Benign". The threonine amino acid residue is found in multiple mammalian species, which suggests that this missense change does not adversely affect protein function. In summary, the available evidence is currently insufficient to determine the role of this variant in disease. Therefore, it has been classified as a Variant of Uncertain Significance.

NM_001029883.3(PCARE):c.559G>A (p.Ala187Thr)

Gene: PCARE (photoreceptor cilium actin regulator; minus strand). Cytogenetic location: 2p23.2.
Variant type: single nucleotide variant.
Coding change: c.559G>A on transcript NM_001029883.3 (MANE Select); coding-DNA position 559, G replaced by A.
Protein change: p.Ala187Thr; replaces alanine 187 with threonine.
Molecular consequence: missense variant.
Genome position (GRCh38, 1-based): chr2:29,073,703, C>T on the plus strand (G>A on the coding strand, the complement: PCARE is on the minus strand). VCF-style: chr2-29073703-C-T. GRCh37 (hg19) VCF-style: chr2-29296569-C-T.
Other names: short protein forms A187T.
Identifiers: ClinVar variation 1375118 (VCV001375118.8), dbSNP rs376525230, ClinGen allele CA1592630.